The following is an entry in ClinVar:

ClinVar aggregate classification (germline): Uncertain significance (1 of 4 stars; one submission).

Allele frequency attached by ClinVar (database versions not stated): ExAC 0.00001.
gnomAD v4.1: 2 of 1,604,308 alleles (0.00012%); highest among the groups gnomAD compares: Admixed American, 0.0034%; no homozygotes.

Submission:

Labcorp Genetics (formerly Invitae), Labcorp
Classification: Uncertain significance. Last evaluated: 2022-07-19. Review status: criteria provided, single submitter. Criteria: Invitae Variant Classification Sherloc (09022015). Collection method: clinical testing. Allele origin: germline.
Comment: In summary, the available evidence is currently insufficient to determine the role of this variant in disease. Therefore, it has been classified as a Variant of Uncertain Significance. Algorithms developed to predict the effect of missense changes on protein structure and function are either unavailable or do not agree on the potential impact of this missense change (SIFT: "Deleterious"; PolyPhen-2: "Benign"; Align-GVGD: "Class C0"). This variant has not been reported in the literature in individuals affected with NLGN2-related conditions. This variant is present in population databases (rs754121514, gnomAD 0.006%). This sequence change replaces leucine, which is neutral and non-polar, with proline, which is neutral and non-polar, at codon 712 of the NLGN2 protein (p.Leu712Pro).

NM_020795.4(NLGN2):c.2135T>C (p.Leu712Pro)

Gene: NLGN2 (neuroligin 2; plus strand). Cytogenetic location: 17p13.1.
Variant type: single nucleotide variant.
Coding change: c.2135T>C on transcript NM_020795.4 (MANE Select); coding-DNA position 2135, T replaced by C.
Protein change: p.Leu712Pro; replaces leucine 712 with proline.
Molecular consequence: missense variant.
Genome position (GRCh38, 1-based): chr17:7,417,426, T>C. VCF-style: chr17-7417426-T-C. GRCh37 (hg19) VCF-style: chr17-7320745-T-C.
Other names: short protein forms L712P.
Identifiers: ClinVar variation 1906747 (VCV001906747.5), dbSNP rs754121514, ClinGen allele CA8346230.